The following is an entry in ClinVar:

ClinVar aggregate classification (germline): Uncertain significance (1 of 4 stars; one submission).

Conditions:
Hereditary spastic paraplegia 11. Also called: Nakamura Osame syndrome; Autosomal recessive hereditary spastic paraplegia, mental impairment, and thin corpus callosum; Spastic paraplegia, mental retardation and thin corpus callosum; SPASTIC PARAPLEGIA, AUTOSOMAL RECESSIVE, COMPLICATED, WITH THIN CORPUS CALLOSUM; SPASTIC PARAPLEGIA, AUTOSOMAL RECESSIVE, WITH MENTAL IMPAIRMENT AND THIN CORPUS CALLOSUM; Spastic Paraplegia 11. Identifiers: Orphanet 2822, MedGen C1858479, MONDO:0011445, OMIM 604360.

Allele frequency attached by ClinVar (database versions not stated): gnomAD exomes below 0.00001; ExAC 0.00001.
gnomAD v4.1: 1 of 1,614,198 alleles (0.000062%); highest among the groups gnomAD compares: Non-Finnish European, 0.000085%; no homozygotes.

Submission:

Labcorp Genetics (formerly Invitae), Labcorp
Classification: Uncertain significance for Hereditary spastic paraplegia 11. Last evaluated: 2021-03-08. Review status: criteria provided, single submitter. Criteria: Invitae Variant Classification Sherloc (09022015). Collection method: clinical testing. Allele origin: germline.
Comment: In summary, the available evidence is currently insufficient to determine the role of this variant in disease. Therefore, it has been classified as a Variant of Uncertain Significance. Algorithms developed to predict the effect of missense changes on protein structure and function are either unavailable or do not agree on the potential impact of this missense change (SIFT: "Tolerated"; PolyPhen-2: "Probably Damaging"; Align-GVGD: "Class C0"). This variant has not been reported in the literature in individuals with SPG11-related conditions. This variant is present in population databases (rs761774708, ExAC 0.001%). This sequence change replaces alanine with proline at codon 1838 of the SPG11 protein (p.Ala1838Pro). The alanine residue is moderately conserved and there is a small physicochemical difference between alanine and proline.

NM_025137.4(SPG11):c.5512G>C (p.Ala1838Pro)

Gene: SPG11 (SPG11 vesicle trafficking associated, spatacsin; minus strand). Cytogenetic location: 15q21.1.
Variant type: single nucleotide variant.
Coding change: c.5512G>C on transcript NM_025137.4 (MANE Select); coding-DNA position 5512, G replaced by C.
Protein change: p.Ala1838Pro; replaces alanine 1838 with proline.
Molecular consequence: missense variant.
Genome position (GRCh38, 1-based): chr15:44,584,168, C>G on the plus strand (G>C on the coding strand, the complement: SPG11 is on the minus strand). VCF-style: chr15-44584168-C-G. GRCh37 (hg19) VCF-style: chr15-44876366-C-G.
Other names: c.5512G>C, p.Ala1838Pro (NM_001160227.2); short protein forms A1838P.
Identifiers: ClinVar variation 1063487 (VCV001063487.7), dbSNP rs761774708, ClinGen allele CA7534396.